The following is an entry in ClinVar:

ClinVar aggregate classification (germline): Uncertain significance. Review status: criteria provided, multiple submitters, no conflicts (2 of 4 stars). 4 submissions from 4 submitters: Uncertain significance (4). Last evaluated 2022-11-29.

Conditions:
Neurofibromatosis, type 1 (NF1). Also called: Neurofibromatosis, type I; Peripheral type neurofibromatosis; VON RECKLINGHAUSEN DISEASE; NEUROFIBROMATOSIS, TYPE I, SOMATIC. Identifiers: Orphanet 636, MedGen C0027831, MONDO:0018975, OMIM 162200. Disease mechanism: loss of function.
NF1-related disorder. Also called: NF1-related condition. Identifiers: MedGen CN379171.
Hereditary cancer-predisposing syndrome. Also called: Neoplastic Syndromes, Hereditary; Hereditary Cancer Syndrome; Hereditary neoplastic syndrome; Tumor predisposition. Identifiers: Orphanet 140162, MedGen C0027672, MeSH D009386, MONDO:0015356.
Cardiovascular phenotype. Identifiers: MedGen CN230736.

gnomAD v4.1: 1 of 1,613,874 alleles (0.000062%); highest among the groups gnomAD compares: Non-Finnish European, 0.000085%; no homozygotes.

Submissions (4):

PreventionGenetics, part of Exact Sciences
Classification: Uncertain significance for NF1-related condition. Last evaluated: 2022-11-29. Review status: criteria provided, single submitter. Criteria: ACMG Guidelines, 2015. Collection method: clinical testing. Allele origin: germline.
Comment: The NF1 c.3947A>C variant is predicted to result in the amino acid substitution p.His1316Pro. To our knowledge, this variant has not been reported in the literature or in a large population database, indicating this variant is rare. Of note, a different substitution at the same codon (p.His1316Gln) has been reported as a variant of uncertain significance in a study of germline pathogenic variants of breast cancer genes (Supplementary Data 1 in Momozawa et al. 2018. PubMed ID: 30287823). At this time, the clinical significance of this variant is uncertain due to the absence of conclusive functional and genetic evidence. A family study of affected and unaffected individuals may clarify the significance of this variant.

Genome-Nilou Lab
Classification: Uncertain significance for Neurofibromatosis, type 1. Last evaluated: 2022-03-15. Review status: criteria provided, single submitter. Criteria: ACMG Guidelines, 2015. Collection method: clinical testing. Allele origin: germline. Affected: no.

Labcorp Genetics (formerly Invitae), Labcorp
Classification: Uncertain significance for Neurofibromatosis, type 1. Last evaluated: 2021-01-05. Review status: criteria provided, single submitter. Criteria: Invitae Variant Classification Sherloc (09022015). Collection method: clinical testing. Allele origin: germline.
Comment: This sequence change replaces histidine with proline at codon 1316 of the NF1 protein (p.His1316Pro). The histidine residue is moderately conserved and there is a moderate physicochemical difference between histidine and proline. This variant is not present in population databases (ExAC no frequency). In summary, the available evidence is currently insufficient to determine the role of this variant in disease. Therefore, it has been classified as a Variant of Uncertain Significance. Algorithms developed to predict the effect of missense changes on protein structure and function are either unavailable or do not agree on the potential impact of this missense change (SIFT: "Deleterious"; PolyPhen-2: "Benign"; Align-GVGD: "Class C0"). This variant has not been reported in the literature in individuals with NF1-related conditions. ClinVar contains an entry for this variant (Variation ID: 824411).

Ambry Genetics
Classification: Uncertain significance for Cardiovascular phenotype; Hereditary cancer-predisposing syndrome. Last evaluated: 2019-05-02. Review status: criteria provided, single submitter. Criteria: Ambry Variant Classification Scheme 2023. Collection method: clinical testing. Allele origin: germline.
Comment: The p.H1316P variant (also known as c.3947A>C), located in coding exon 29 of the NF1 gene, results from an A to C substitution at nucleotide position 3947. The histidine at codon 1316 is replaced by proline, an amino acid with similar properties. This amino acid position is highly conserved in available vertebrate species. In addition, this alteration is predicted to be deleterious by in silico analysis. Since supporting evidence is limited at this time, the clinical significance of this alteration remains unclear.

NM_001042492.3(NF1):c.3947A>C (p.His1316Pro)

Gene: NF1 (neurofibromin 1; plus strand). Cytogenetic location: 17q11.2.
Variant type: single nucleotide variant.
Coding change: c.3947A>C on transcript NM_001042492.3 (MANE Select); coding-DNA position 3947, A replaced by C.
Protein change: p.His1316Pro; replaces histidine 1316 with proline.
Molecular consequence: missense variant.
Genome position (GRCh38, 1-based): chr17:31,235,994, A>C. VCF-style: chr17-31235994-A-C. GRCh37 (hg19) VCF-style: chr17-29563012-A-C.
Other names: c.3947A>C, p.His1316Pro (NM_000267.4); short protein forms H1316P.
Identifiers: ClinVar variation 824411 (VCV000824411.13), dbSNP rs751023085, ClinGen allele CA398993252.